The following is an entry in ClinVar:

ClinVar aggregate classification (germline): Likely benign. Review status: criteria provided, multiple submitters, no conflicts (2 of 4 stars). 8 submissions from 8 submitters: Likely benign (8). Last evaluated 2026-09-21.

Conditions:
Cardiovascular phenotype. Identifiers: MedGen CN230736.
Cardiomyopathy (CMYO). Also called: Cardiomyopathies. Identifiers: Orphanet 167848, MedGen C0878544, MONDO:0004994, HP:0001638. Inheritance: Various modes of inheritance.
Hypertrophic cardiomyopathy. Also called: HYPERTROPHIC MYOCARDIOPATHY. Identifiers: Orphanet 217569, MedGen C0007194, MeSH D002312, MONDO:0005045, HP:0001639.

Allele frequency attached by ClinVar (database versions not stated): ESP Exome Variant Server 0.00008; 1000 Genomes Project 0.00020; ExAC 0.00003; gnomAD exomes 0.00003 and 0.00007; 1000 Genomes Project 30x 0.00016; gnomAD 0.00001; TOPMed 0.00001.

Submissions (8):

Molecular Diagnostic Laboratory for Inherited Cardiovascular Disease, Montreal Heart Institute
Classification: Likely benign. Last evaluated: 2026-09-21. Review status: criteria provided, single submitter. Criteria: ACMG Guidelines, 2015. Collection method: clinical testing. Allele origin: germline. Affected: no.
Comment: BP7

Labcorp Genetics (formerly Invitae), Labcorp
Classification: Likely benign for Hypertrophic cardiomyopathy. Last evaluated: 2025-04-17. Review status: criteria provided, single submitter. Criteria: Invitae Variant Classification Sherloc (09022015). Collection method: clinical testing. Allele origin: germline.

All of Us Research Program, National Institutes of Health
Classification: Likely benign for Hypertrophic cardiomyopathy. Last evaluated: 2024-08-13. Review status: criteria provided, single submitter. Criteria: ACMG Guidelines, 2015. Collection method: clinical testing. Allele origin: germline. Inheritance: Autosomal dominant inheritance. Observed: 17 variant alleles, 17 heterozygotes.
Comment: This study involves interpretation of variants in research participants for the purpose of population health screening. Participant phenotype was not available at the time of variant classification. Additional details can be found in publication PMID: 35346344, PMCID: PMC8962531

Blueprint Genetics
Classification: Likely benign. Last evaluated: 2024-05-17. Review status: criteria provided, single submitter. Criteria: ACMG Guidelines, 2015. Collection method: clinical testing. Allele origin: germline.

Ambry Genetics
Classification: Likely benign for Cardiovascular phenotype. Last evaluated: 2021-09-08. Review status: criteria provided, single submitter. Criteria: Ambry Variant Classification Scheme 2023. Collection method: clinical testing. Allele origin: germline.

Color Diagnostics, LLC DBA Color Health
Classification: Likely benign for Cardiomyopathy. Last evaluated: 2018-05-07. Review status: criteria provided, single submitter. Criteria: ACMG Guidelines, 2015. Collection method: clinical testing. Allele origin: germline.

GeneDx
Classification: Likely benign. Last evaluated: 2018-02-13. Review status: criteria provided, single submitter. Criteria: GeneDx Variant Classification (06012015). Collection method: clinical testing. Allele origin: germline. Affected: yes.
Comment: This variant is considered likely benign or benign based on one or more of the following criteria: it is a conservative change, it occurs at a poorly conserved position in the protein, it is predicted to be benign by multiple in silico algorithms, and/or has population frequency not consistent with disease.

CHEO Genetics Diagnostic Laboratory, Children's Hospital of Eastern Ontario
Classification: Likely benign for Cardiomyopathy. Last evaluated: 2017-11-24. Review status: criteria provided, single submitter. Criteria: ACMG Guidelines, 2015. Collection method: clinical testing. Allele origin: germline.

NM_000258.3(MYL3):c.222G>A (p.Gly74=)

Gene: MYL3 (myosin light chain 3; minus strand). Cytogenetic location: 3p21.31.
Variant type: single nucleotide variant.
Coding change: c.222G>A on transcript NM_000258.3 (MANE Select); coding-DNA position 222, G replaced by A.
Protein change: p.Gly74=; no amino-acid change (glycine 74 retained).
Molecular consequence: synonymous variant.
Genome position (GRCh38, 1-based): chr3:46,860,761, C>T on the plus strand (G>A on the coding strand, the complement: MYL3 is on the minus strand). VCF-style: chr3-46860761-C-T. GRCh37 (hg19) VCF-style: chr3-46902251-C-T.
Identifiers: ClinVar variation 385152 (VCV000385152.21), dbSNP rs144543453, ClinGen allele CA043160.